The following is an entry in ClinVar:

ClinVar aggregate classification (germline): Uncertain significance (1 of 4 stars; one submission).

Conditions:
Fabry disease. Also called: ALPHA-GALACTOSIDASE A DEFICIENCY; ANDERSON-FABRY DISEASE; CERAMIDE TRIHEXOSIDASE DEFICIENCY; GLA DEFICIENCY; HEREDITARY DYSTOPIC LIPIDOSIS; Angiokeratoma corporis diffusum. Identifiers: Orphanet 324, MedGen C0002986, MONDO:0010526, OMIM 301500, HP:0001071. Disease mechanism: Fabry disease is due to inactivating mutations in the X-linked GLA gene resulting in deficiency of the enzyme Alpha Galactosidase-A., loss of function.

Submission:

Genomenon, Inc
Classification: Uncertain significance for Fabry disease. Last evaluated: 2026-09-08. Review status: criteria provided, single submitter. Criteria: Genomenon Sequence Variant Interpretation Standards - Updated. Collection method: curation. Allele origin: germline. Affected: no.
Comment: GLA p.Arg118Ser (c.352C>A) is a missense variant that changes the amino acid at codon 118 from Arginine to Serine. This variant has been reported in the published literature (PMID:23935525). It is absent or not present at a significant frequency in gnomAD. In conclusion, we classify GLA p.Arg118Ser (c.352C>A) as a variant of uncertain significance.

Literature cited by the submitters: PubMed 23935525.

NM_000169.3(GLA):c.352C>A (p.Arg118Ser)

Genes: GLA (galactosidase alpha; minus strand), RPL36A-HNRNPH2 (RPL36A-HNRNPH2 readthrough; plus strand). Cytogenetic location: Xq22.1.
Variant type: single nucleotide variant.
Coding change: c.352C>A on transcript NM_000169.3 (MANE Select); coding-DNA position 352, C replaced by A.
Protein change: p.Arg118Ser; replaces arginine 118 with serine.
Molecular consequence: missense variant. On other transcripts: non-coding transcript variant (3), intron variant (2).
Genome position (GRCh38, 1-based): chrX:101,403,828, G>T on the plus strand (C>A on the coding strand, the complement: GLA is on the minus strand). VCF-style: chrX-101403828-G-T. GRCh37 (hg19) VCF-style: chrX-100658816-G-T.
Other names: c.475C>A, p.Arg159Ser (NM_001406747.1, NM_001406749.1); c.352C>A, p.Arg118Ser (NM_001406748.1); c.301-8108G>T (NM_001199973.2); c.178-8108G>T (NM_001199974.2); short protein forms R118S, R159S.
Identifiers: ClinVar variation 4087347 (VCV004087347.2).